The following is an entry in ClinVar:

NM_000038.6(APC):c.2383C>A (p.Leu795Ile)

Gene: APC (APC regulator of Wnt signaling pathway; plus strand). Cytogenetic location: 5q22.2.
Variant type: single nucleotide variant.
Coding change: c.2383C>A on transcript NM_000038.6 (MANE Select); coding-DNA position 2383, C replaced by A.
Protein change: p.Leu795Ile; replaces leucine 795 with isoleucine.
Molecular consequence: missense variant.
Genome position (GRCh38, 1-based): chr5:112,837,977, C>A. VCF-style: chr5-112837977-C-A. GRCh37 (hg19) VCF-style: chr5-112173674-C-A.
Other names: c.2383C>A, p.Leu795Ile (NM_001127510.3, NM_001354895.2); c.2329C>A, p.Leu777Ile (NM_001127511.3); c.2437C>A, p.Leu813Ile (NM_001354896.2); c.2413C>A, p.Leu805Ile (NM_001354897.2); c.2308C>A, p.Leu770Ile (NM_001354898.2); c.2299C>A, p.Leu767Ile (NM_001354899.2); c.2260C>A, p.Leu754Ile (NM_001354900.2); c.2206C>A, p.Leu736Ile (NM_001354901.2); and 5 more; short protein forms L777I, L795I, L704I, L770I, L635I, L754I, L767I, L805I.
Identifiers: ClinVar variation 566250 (VCV000566250.15), dbSNP rs1442780982, ClinGen allele CA16026569.

ClinVar aggregate classification (germline): Uncertain significance. Review status: criteria provided, multiple submitters, no conflicts (2 of 4 stars). 4 submissions from 4 submitters: Uncertain significance (4). Last evaluated 2025-09-18.

Conditions:
Hereditary cancer-predisposing syndrome. Also called: Neoplastic Syndromes, Hereditary; Tumor predisposition; Hereditary neoplastic syndrome; Hereditary Cancer Syndrome. Identifiers: Orphanet 140162, MedGen C0027672, MeSH D009386, MONDO:0015356.
Familial adenomatous polyposis 1 (FAP1). Also called: FAMILIAL ADENOMATOUS POLYPOSIS 1, ATTENUATED; POLYPOSIS, ADENOMATOUS INTESTINAL. Identifiers: MedGen C2713442, MONDO:0021056, OMIM 175100. Disease mechanism: loss of function.

Submissions (4):

Quest Diagnostics Nichols Institute San Juan Capistrano
Classification: Uncertain significance. Last evaluated: 2025-09-18. Review status: criteria provided, single submitter. Criteria: Quest Diagnostics criteria. Collection method: clinical testing. Allele origin: unknown.
Comment: The APC c.2383C>A (p.Leu795Ile) variant has been reported in the published literature in individuals with colorectal cancer (PMID: 25808843 (2015), 38282550 (2024)). This variant has not been reported in large, multi-ethnic general populations (Genome Aggregation Database). Analysis of this variant using bioinformatics tools for the prediction of the effect of amino acid changes on protein structure and function yielded predictions that this variant is benign. Based on the available information, we are unable to determine the clinical significance of this variant.

Ambry Genetics
Classification: Uncertain significance for Hereditary cancer-predisposing syndrome. Last evaluated: 2025-08-18. Review status: criteria provided, single submitter. Criteria: Ambry Variant Classification Scheme 2023. Collection method: clinical testing. Allele origin: germline.
Comment: The p.L795I variant (also known as c.2383C>A), located in coding exon 15 of the APC gene, results from a C to A substitution at nucleotide position 2383. The leucine at codon 795 is replaced by isoleucine, an amino acid with highly similar properties. This amino acid position is well conserved in available vertebrate species. In addition, in silico predictors for this gene do not accurately predict pathogenicity. Missense alterations in APC are not a common cause of disease (Spier I et al. Genet Med. 2024 Feb;26(2):100992). Based on the available evidence, the clinical significance of this variant remains unclear.

Labcorp Genetics (formerly Invitae), Labcorp
Classification: Uncertain significance for Familial adenomatous polyposis 1. Last evaluated: 2025-05-07. Review status: criteria provided, single submitter. Criteria: Invitae Variant Classification Sherloc (09022015). Collection method: clinical testing. Allele origin: germline.
Comment: This sequence change replaces leucine, which is neutral and non-polar, with isoleucine, which is neutral and non-polar, at codon 795 of the APC protein (p.Leu795Ile). This variant is not present in population databases (gnomAD no frequency). This variant has not been reported in the literature in individuals affected with APC-related conditions. ClinVar contains an entry for this variant (Variation ID: 566250). Invitae Evidence Modeling of protein sequence and biophysical properties (such as structural, functional, and spatial information, amino acid conservation, physicochemical variation, residue mobility, and thermodynamic stability) indicates that this missense variant is not expected to disrupt APC protein function with a negative predictive value of 95%. In summary, the available evidence is currently insufficient to determine the role of this variant in disease. Therefore, it has been classified as a Variant of Uncertain Significance.

Women's Health and Genetics/Laboratory Corporation of America, LabCorp
Classification: Uncertain significance. Last evaluated: 2023-07-31. Review status: criteria provided, single submitter. Criteria: LabCorp Variant Classification Summary - May 2015. Collection method: clinical testing. Allele origin: germline.

Literature cited by the submitters: PubMed 38282550 (cited by Quest Diagnostics Nichols Institute San Juan Capistrano); PubMed 25808843 (cited by Quest Diagnostics Nichols Institute San Juan Capistrano).